The following is an entry in ClinVar:

ClinVar aggregate classification (germline): Uncertain significance (1 of 4 stars; one submission).

Conditions:
Hereditary cancer-predisposing syndrome. Also called: Neoplastic Syndromes, Hereditary; Tumor predisposition; Hereditary neoplastic syndrome; Hereditary Cancer Syndrome. Identifiers: Orphanet 140162, MedGen C0027672, MeSH D009386, MONDO:0015356.

Submission:

Ambry Genetics
Classification: Uncertain significance for Hereditary cancer-predisposing syndrome. Last evaluated: 2024-03-21. Review status: criteria provided, single submitter. Criteria: Ambry Variant Classification Scheme 2023. Collection method: clinical testing. Allele origin: germline.
Comment: The p.K1828N variant (also known as c.5484G>C), located in coding exon 35 of the ATM gene, results from a G to C substitution at nucleotide position 5484. The lysine at codon 1828 is replaced by asparagine, an amino acid with similar properties. This amino acid position is conserved. In addition, this alteration is predicted to be tolerated by in silico analysis. Based on the available evidence, the clinical significance of this alteration remains unclear.

NM_000051.4(ATM):c.5484G>C (p.Lys1828Asn)

Gene: ATM (ATM serine/threonine kinase; plus strand). Cytogenetic location: 11q22.3.
Variant type: single nucleotide variant.
Coding change: c.5484G>C on transcript NM_000051.4 (MANE Select); coding-DNA position 5484, G replaced by C.
Protein change: p.Lys1828Asn; replaces lysine 1828 with asparagine.
Molecular consequence: missense variant.
Genome position (GRCh38, 1-based): chr11:108,303,017, G>C. VCF-style: chr11-108303017-G-C. GRCh37 (hg19) VCF-style: chr11-108173744-G-C.
Other names: c.5484G>C, p.Lys1828Asn (NM_001351834.2); short protein forms K1828N.
Identifiers: ClinVar variation 3325064 (VCV003325064.1).